The following is an entry in ClinVar:

ClinVar aggregate classification (germline): Pathogenic. Review status: criteria provided, multiple submitters, no conflicts (2 of 4 stars). 11 submissions from 10 submitters: Pathogenic (9). 2 of the submissions do not count toward it. Last evaluated 2025-07-31.

Conditions:
Muscular dystrophy, limb-girdle, autosomal recessive 23. Identifiers: Orphanet 565837, MedGen C4748327, MONDO:0029136, OMIM 618138.
Merosin deficient congenital muscular dystrophy (MDC1A). Also called: Congenital merosin-deficient muscular dystrophy 1A; Congenital Muscular Dystrophy Type 1A (MDC1A). Identifiers: Orphanet 258, MedGen C1263858, MONDO:0011925, OMIM 607855.
LAMA2-related muscular dystrophy (LAMA2-RD). Also called: Laminin alpha 2-related dystrophy. Identifiers: MedGen C5679788, MONDO:0100228.

Allele frequency attached by ClinVar (database versions not stated): gnomAD 0.00001; ExAC 0.00002; gnomAD exomes 0.00002; TOPMed 0.00002.
gnomAD v4.1: 13 of 1,613,094 alleles (0.00081%); highest among the groups gnomAD compares: African/African-American, 0.0027%; no homozygotes.

Submissions (11):

Revvity Omics, Revvity
Classification: Pathogenic. Last evaluated: 2025-07-31. Review status: criteria provided, single submitter. Criteria: ACMG Guidelines, 2015. Collection method: clinical testing. Allele origin: germline.

3billion
Classification: Pathogenic for Muscular dystrophy, limb-girdle, autosomal recessive 23. Last evaluated: 2024-10-28. Review status: criteria provided, single submitter. Criteria: ACMG Guidelines, 2015. Collection method: clinical testing. Allele origin: germline. Affected: yes.
Comment: The variant is observed at an extremely low frequency in the gnomAD v4.1.0 dataset (total allele frequency: <0.001%). Predicted Consequence/Location: Stop-gained (nonsense): predicted to result in a loss or disruption of normal protein function through nonsense-mediated decay (NMD) or protein truncation. Multiple pathogenic variants are reported downstream of the variant. The variant has been reported at least twice as pathogenic with clinical assertions and evidence for the classification (ClinVar ID: VCV000191214 /PMID: 27124789 /3billion dataset). Therefore, this variant is classified as Pathogenic according to the recommendation of ACMG/AMP guideline.

GeneDx
Classification: Pathogenic. Last evaluated: 2024-06-16. Review status: criteria provided, single submitter. Criteria: GeneDx Variant Classification Process June 2021. Collection method: clinical testing. Allele origin: germline. Affected: yes.
Comment: Nonsense variant predicted to result in protein truncation or nonsense mediated decay in a gene for which loss of function is a known mechanism of disease; Not observed at significant frequency in large population cohorts (gnomAD); This variant is associated with the following publications: (PMID: 27124789, 31069529, 37236975, 34302356, 37318662, 18700894, 32904964, 30055037)

Fulgent Genetics
Classification: Pathogenic for Merosin deficient congenital muscular dystrophy; Muscular dystrophy, limb-girdle, autosomal recessive 23. Last evaluated: 2024-06-01. Review status: criteria provided, single submitter. Criteria: ACMG Guidelines, 2015. Collection method: clinical testing. Allele origin: germline.

Baylor Genetics
Classification: Pathogenic for Merosin deficient congenital muscular dystrophy. Last evaluated: 2024-03-27. Review status: criteria provided, single submitter. Criteria: ACMG Guidelines, 2015. Collection method: clinical testing. Allele origin: unknown.

Genomic Medicine Center of Excellence, King Faisal Specialist Hospital and Research Centre
Classification: Pathogenic for Merosin deficient congenital muscular dystrophy. Last evaluated: 2024-03-17. Review status: criteria provided, single submitter. Criteria: ACMG Guidelines, 2015. Collection method: research. Allele origin: germline.

Kariminejad - Najmabadi Pathology & Genetics Center
Classification: Pathogenic for Merosin deficient congenital muscular dystrophy. Last evaluated: 2023-11-27. Review status: criteria provided, single submitter. Criteria: ACMG Guidelines, 2015. Collection method: clinical testing. Allele origin: germline. Inheritance: Autosomal recessive inheritance. Affected: yes.
Comment: PM3_Strong,PVS1_Very strong,PM2_Moderate

Labcorp Genetics (formerly Invitae), Labcorp
Classification: Pathogenic for LAMA2-related muscular dystrophy. Last evaluated: 2023-11-14. Review status: criteria provided, single submitter. Criteria: Invitae Variant Classification Sherloc (09022015). Collection method: clinical testing. Allele origin: germline.
Comment: This sequence change creates a premature translational stop signal (p.Arg1450*) in the LAMA2 gene. It is expected to result in an absent or disrupted protein product. Loss-of-function variants in LAMA2 are known to be pathogenic (PMID: 18700894, 32904964). This variant is present in population databases (rs200923373, gnomAD 0.003%). This premature translational stop signal has been observed in individual(s) with congenital muscular dystrophy (PMID: 30055037). ClinVar contains an entry for this variant (Variation ID: 191214). For these reasons, this variant has been classified as Pathogenic.

Genomic Medicine Lab, University of California San Francisco
Classification: Pathogenic for Muscular dystrophy, limb-girdle, autosomal recessive 23. Last evaluated: 2019-07-11. Review status: criteria provided, single submitter. Criteria: ACMG Guidelines, 2015. Collection method: clinical testing. Allele origin: maternal. Inheritance: Autosomal recessive inheritance. Affected: yes. Study: CSER-P3EGS.

Counsyl
Classification: Likely pathogenic for Merosin deficient congenital muscular dystrophy. Last evaluated: 2017-03-08. Review status: no assertion criteria provided. Collection method: clinical testing. Allele origin: unknown. Not counted in ClinVar's aggregate classification.

Genomic Medicine Center of Excellence, King Faisal Specialist Hospital and Research Centre
Classification: Likely pathogenic. Review status: flagged submission. Criteria: ACMG Guidelines, 2015. Collection method: research. Allele origin: germline. Affected: yes. Not counted in ClinVar's aggregate classification.
ClinVar note: Reason: This record appears to be redundant with a more recent record from the same submitter.
ClinVar note: Notes: SCV000221598 appears to be redundant with SCV004805018.

Literature cited by the submitters: PubMed 27124789 (cited by 3billion); PubMed 18700894 (cited by Labcorp Genetics (formerly Invitae), Labcorp); PubMed 32904964 (cited by Labcorp Genetics (formerly Invitae), Labcorp); PubMed 30055037 (cited by Labcorp Genetics (formerly Invitae), Labcorp).

NM_000426.4(LAMA2):c.4348C>T (p.Arg1450Ter)

Gene: LAMA2 (laminin subunit alpha 2; plus strand). Cytogenetic location: 6q22.33.
Variant type: single nucleotide variant.
Coding change: c.4348C>T on transcript NM_000426.4 (MANE Select); coding-DNA position 4348, C replaced by T.
Protein change: p.Arg1450Ter; replaces arginine 1450 with a stop codon.
Molecular consequence: nonsense.
Genome position (GRCh38, 1-based): chr6:129,342,379, C>T. VCF-style: chr6-129342379-C-T. GRCh37 (hg19) VCF-style: chr6-129663524-C-T.
Other names: c.4348C>T, p.Arg1450Ter (NM_001079823.2); short protein forms R1450*.
Identifiers: ClinVar variation 191214 (VCV000191214.21), dbSNP rs200923373, ClinGen allele CA236268.
Genomic context (GRCh38, chr6:129,342,379, plus strand): 5'-CTTCTTCTCCCTTTTCCTTTACAGAATTGTCAACATCACACTGCTGGTGACTTCTGTGAA[C>T]GATGTGCTCTTGGATACTATGGAATTGTCAAGGGATTGCCAAATGACTGTCAGCAATGTG-3'